The following is an entry in ClinVar:

NM_001813.3(CENPE):c.984T>C (p.Tyr328=)

Gene: CENPE (centromere protein E; minus strand). Cytogenetic location: 4q24.
Variant type: single nucleotide variant.
Coding change: c.984T>C on transcript NM_001813.3 (MANE Select); coding-DNA position 984, T replaced by C.
Protein change: p.Tyr328=; no amino-acid change (tyrosine 328 retained).
Molecular consequence: synonymous variant.
Genome position (GRCh38, 1-based): chr4:103,181,436, A>G on the plus strand (T>C on the coding strand, the complement: CENPE is on the minus strand). VCF-style: chr4-103181436-A-G. GRCh37 (hg19) VCF-style: chr4-104102593-A-G.
Other names: c.984T>C, p.Tyr328= (NM_001286734.2).
Identifiers: ClinVar variation 741077 (VCV000741077.8), dbSNP rs137947826, ClinGen allele CA3030609.
Genomic context (GRCh38, chr4:103,181,436, plus strand): 5'-ATACCTTTTCAGGAGAGCTTCATCAGTTGATACCTCATTAACATAAGGAGTATTCTTCAT[A>G]TATTTAGCAGTACTGGCAAACTGGAAAAAAAATACGAAAGTGCTAAGTGTTCAACACTTA-3'
Protein context (NP_001804.2, residues 318-338): TALQFASTAK[Tyr328=]MKNTPYVNEV

ClinVar aggregate classification (germline): Likely benign. Review status: criteria provided, multiple submitters, no conflicts (2 of 4 stars). 2 submissions from 2 submitters: Likely benign (2). Last evaluated 2025-12-01.

Allele frequency attached by ClinVar (database versions not stated): gnomAD exomes 0.00005 and 0.00016; ExAC 0.00019; gnomAD 0.00062 and 0.00063; TOPMed 0.00065; ESP Exome Variant Server 0.00069; 1000 Genomes Project 30x 0.00078; 1000 Genomes Project 0.00080.
gnomAD v4.1: 173 of 1,571,780 alleles (0.011%); highest among the groups gnomAD compares: African/African-American, 0.2%; no homozygotes.

Submissions (2):

CeGaT Center for Human Genetics Tuebingen
Classification: Likely benign. Last evaluated: 2025-12-01. Review status: criteria provided, single submitter. Criteria: CeGaT Center For Human Genetics Tuebingen Variant Classification Criteria Version 2. Collection method: clinical testing. Allele origin: germline. Affected: yes. Observed: 1 variant allele.
Comment: CENPE: BP4, BP7

Labcorp Genetics (formerly Invitae), Labcorp
Classification: Likely benign. Last evaluated: 2018-09-11. Review status: criteria provided, single submitter. Criteria: Invitae Variant Classification Sherloc (09022015). Collection method: clinical testing. Allele origin: germline.